The following is an entry in ClinVar:

NM_006231.4(POLE):c.3753G>A (p.Trp1251Ter)

Gene: POLE (DNA polymerase epsilon, catalytic subunit; minus strand). Cytogenetic location: 12q24.33.
Variant type: single nucleotide variant.
Coding change: c.3753G>A on transcript NM_006231.4 (MANE Select); coding-DNA position 3753, G replaced by A.
Protein change: p.Trp1251Ter; replaces tryptophan 1251 with a stop codon.
Molecular consequence: nonsense.
Genome position (GRCh38, 1-based): chr12:132,649,719, C>T on the plus strand (G>A on the coding strand, the complement: POLE is on the minus strand). VCF-style: chr12-132649719-C-T. GRCh37 (hg19) VCF-style: chr12-133226305-C-T.
Other names: short protein forms W1251*.
Identifiers: ClinVar variation 969312 (VCV000969312.9), dbSNP rs2042376634, ClinGen allele CA387386140.
Genomic context (GRCh38, chr12:132,649,719, plus strand): 5'-CACAGCTGTGTGCCTTACCTGGCTGGTTCCCAGGGCGGGAGGCTGCCCCAAGATTTCCTG[C>T]CAGGGCACAGTCGGCGTGAGGTCCTGGGACTCCTCCTGGCTCTCCCAAAGAACTCGCTTC-3'

ClinVar aggregate classification (germline): Pathogenic (1 of 4 stars; one submission).

Allele frequency attached by ClinVar (database versions not stated): gnomAD exomes below 0.00001.
gnomAD v4.1: 3 of 1,614,172 alleles (0.00019%); highest among the groups gnomAD compares: Non-Finnish European, 0.00025%; no homozygotes.

Submission:

Labcorp Genetics (formerly Invitae), Labcorp
Classification: Pathogenic. Last evaluated: 2022-05-27. Review status: criteria provided, single submitter. Criteria: Invitae Variant Classification Sherloc (09022015). Collection method: clinical testing. Allele origin: germline.
Comment: This variant has not been reported in the literature in individuals affected with POLE-related conditions. This variant is not present in population databases (gnomAD no frequency). This sequence change creates a premature translational stop signal (p.Trp1251*) in the POLE gene. It is expected to result in an absent or disrupted protein product. Loss-of-function variants in POLE are known to be pathogenic (PMID: 23230001, 25948378, 30503519). ClinVar contains an entry for this variant (Variation ID: 969312). For these reasons, this variant has been classified as Pathogenic.

Literature cited by the submitters: PubMed 23230001; PubMed 25948378; PubMed 30503519.